The following is an entry in ClinVar:

ClinVar aggregate classification (germline): Uncertain significance. Review status: criteria provided, multiple submitters, no conflicts (2 of 4 stars). 2 submissions from 2 submitters: Uncertain significance (2). Last evaluated 2025-03-08.

Conditions:
Transcobalamin II deficiency (TCN2D). Also called: TC II DEFICIENCY; TCN2 DEFICIENCY; Transcolabamin II deficiency. Identifiers: Orphanet 859, MedGen C0342701, MONDO:0010149, OMIM 275350.
Inborn genetic diseases. Identifiers: MedGen C0950123, MeSH D030342.

Allele frequency attached by ClinVar (database versions not stated): gnomAD 0.00001; gnomAD exomes 0.00001; ExAC 0.00002; 1000 Genomes Project 30x 0.00016; 1000 Genomes Project 0.00020.
gnomAD v4.1: 18 of 1,613,914 alleles (0.0011%); highest among the groups gnomAD compares: Admixed American, 0.0067%; 1 homozygote.

Submissions (2):

Ambry Genetics
Classification: Uncertain significance for Inborn genetic diseases. Last evaluated: 2025-03-08. Review status: criteria provided, single submitter. Criteria: Ambry Variant Classification Scheme 2023. Collection method: clinical testing. Allele origin: germline.

Labcorp Genetics (formerly Invitae), Labcorp
Classification: Uncertain significance for Transcobalamin II deficiency. Last evaluated: 2021-08-31. Review status: criteria provided, single submitter. Criteria: Invitae Variant Classification Sherloc (09022015). Collection method: clinical testing. Allele origin: germline.
Comment: This sequence change replaces isoleucine with threonine at codon 142 of the TCN2 protein (p.Ile142Thr). The isoleucine residue is highly conserved and there is a moderate physicochemical difference between isoleucine and threonine. This variant is present in population databases (rs200483369, ExAC 0.009%). This variant has not been reported in the literature in individuals affected with TCN2-related conditions. Algorithms developed to predict the effect of missense changes on protein structure and function are either unavailable or do not agree on the potential impact of this missense change (SIFT: "Deleterious"; PolyPhen-2: "Probably Damaging"; Align-GVGD: "Class C0"). In summary, the available evidence is currently insufficient to determine the role of this variant in disease. Therefore, it has been classified as a Variant of Uncertain Significance.

NM_000355.4(TCN2):c.425T>C (p.Ile142Thr)

Gene: TCN2 (transcobalamin 2; plus strand). Cytogenetic location: 22q12.2.
Variant type: single nucleotide variant.
Coding change: c.425T>C on transcript NM_000355.4 (MANE Select); coding-DNA position 425, T replaced by C.
Protein change: p.Ile142Thr; replaces isoleucine 142 with threonine.
Molecular consequence: missense variant. On other transcripts: intron variant (1).
Genome position (GRCh38, 1-based): chr22:30,613,040, T>C. VCF-style: chr22-30613040-T-C. GRCh37 (hg19) VCF-style: chr22-31009027-T-C.
Other names: c.346+79T>C (NM_001184726.2); short protein forms I142T.
Identifiers: ClinVar variation 971873 (VCV000971873.9), dbSNP rs200483369, ClinGen allele CA10184619.